The following is an entry in ClinVar:

ClinVar aggregate classification (germline): Likely benign. Review status: criteria provided, multiple submitters, no conflicts (2 of 4 stars). 5 submissions from 5 submitters: Likely benign (3). 2 of the submissions do not count toward it. Last evaluated 2025-12-03.

Conditions:
FAT1-related disorder. Also called: FAT1-related condition.

Allele frequency attached by ClinVar (database versions not stated): ESP Exome Variant Server 0.00024; TOPMed 0.00036; gnomAD 0.00038 and 0.00048; gnomAD exomes 0.00063 and 0.00084; 1000 Genomes Project 30x 0.00078; ExAC 0.00094; 1000 Genomes Project 0.00100.
gnomAD v4.1: 1,002 of 1,613,986 alleles (0.062%); highest among the groups gnomAD compares: South Asian, 0.37%; 5 homozygotes.

Submissions (5):

Labcorp Genetics (formerly Invitae), Labcorp
Classification: Likely benign. Last evaluated: 2025-12-03. Review status: criteria provided, single submitter. Criteria: Invitae Variant Classification Sherloc (09022015). Collection method: clinical testing. Allele origin: germline.

Blueprint Genetics
Classification: Likely benign. Last evaluated: 2024-11-18. Review status: criteria provided, single submitter. Criteria: ACMG Guidelines, 2015. Collection method: clinical testing. Allele origin: germline.

Breakthrough Genomics
Classification: Likely benign. Review status: criteria provided, single submitter. Criteria: ACMG Guidelines, 2015. Collection method: not provided. Allele origin: germline. Inheritance: Unknown mechanism. Affected: yes.

PreventionGenetics, part of Exact Sciences
Classification: Likely benign for FAT1-related condition. Last evaluated: 2020-09-25. Review status: no assertion criteria provided. Collection method: clinical testing. Allele origin: germline. Not counted in ClinVar's aggregate classification.
Comment: This variant is classified as likely benign based on ACMG/AMP sequence variant interpretation guidelines (Richards et al. 2015 PMID: 25741868, with internal and published modifications).

Department of Pathology and Laboratory Medicine, Sinai Health System
Classification: Likely benign. Review status: no assertion criteria provided. Collection method: clinical testing. Allele origin: unknown. Affected: yes. Study: The Canadian Open Genetics Repository (COGR). Not counted in ClinVar's aggregate classification.
Comment: The FAT1 p.T2261M variant was not identified in the literature nor was it identified in ClinVar. The variant was identified in dbSNP (ID: rs189912205) and in control databases in 223 of 280408 chromosomes (3 homozygous) at a frequency of 0.0007953, and was observed at the highest frequency in the South Asian population in 121 of 30600 chromosomes (3 homozygous) (freq: 0.003954) (Genome Aggregation Database March 6, 2019, v2.1.1). The p.T2261 residue is conserved in mammals and computational analyses (MUT Assesor, PolyPhen-2, SIFT, MutationTaster, Revel, FATHMM, MetaLR, DANN) provide inconsistent predictions regarding the impact to the protein; this information is not very predictive of pathogenicity. The variant occurs outside of the splicing consensus sequence and in silico or computational prediction software programs (Splice AI exome) do not predict a difference in splicing. In summary, based on the above information the clinical significance of this variant cannot be determined with certainty at this time although we would lean towards a more benign role for this variant. This variant is classified as likely benign.

NM_005245.4(FAT1):c.6782C>T (p.Thr2261Met)

Gene: FAT1 (FAT atypical cadherin 1; minus strand). Cytogenetic location: 4q35.2.
Variant type: single nucleotide variant.
Coding change: c.6782C>T on transcript NM_005245.4 (MANE Select); coding-DNA position 6782, C replaced by T.
Protein change: p.Thr2261Met; replaces threonine 2261 with methionine.
Molecular consequence: missense variant.
Genome position (GRCh38, 1-based): chr4:186,619,804, G>A on the plus strand (C>T on the coding strand, the complement: FAT1 is on the minus strand). VCF-style: chr4-186619804-G-A. GRCh37 (hg19) VCF-style: chr4-187540958-G-A.
Other names: c.6782C>T (NM_005245.3); short protein forms T2261M.
Identifiers: ClinVar variation 1049394 (VCV001049394.10), dbSNP rs189912205, ClinGen allele CA3166185.
Genomic context (GRCh38, chr4:186,619,804, plus strand): 5'-GGAGGGTTATCATTGATGTCGTCTACTATGATGTCCACAAATACTTCAGCATGAGCGCCC[G>A]TCAAGGAGTCAGTTGCGCGTATGCTCAGCTTATATGCCGGGTGGGCCTCAAAGTCCAGAG-3'
Protein context (NP_005236.2, residues 2251-2271): KLSIRATDSL[Thr2261Met]GAHAEVFVDI